The following is an entry in ClinVar:

ClinVar aggregate classification (germline): Conflicting classifications of pathogenicity. Review status: criteria provided, conflicting classifications (1 of 4 stars). 6 submissions from 6 submitters: Likely pathogenic (3); Uncertain significance (3). Last evaluated 2026-01-18.

Conditions:
TYR-related disorder. Also called: TYR-related condition.
Oculocutaneous albinism type 1A (OCA1A). Also called: Albinism, oculocutaneous, type IA. Identifiers: Orphanet 352731, Orphanet 79431, MedGen C4551504, MONDO:0008745, OMIM 203100. Disease mechanism: loss of function.

Allele frequency attached by ClinVar (database versions not stated): gnomAD exomes below 0.00001; TOPMed below 0.00001.
gnomAD v4.1: 3 of 1,611,876 alleles (0.00019%); highest among the groups gnomAD compares: Non-Finnish European, 0.00025%; no homozygotes.

Submissions (6):

Labcorp Genetics (formerly Invitae), Labcorp
Classification: Likely pathogenic. Last evaluated: 2026-01-18. Review status: criteria provided, single submitter. Criteria: Invitae Variant Classification Sherloc (09022015). Collection method: clinical testing. Allele origin: germline.
Comment: This sequence change replaces proline, which is neutral and non-polar, with alanine, which is neutral and non-polar, at codon 412 of the TYR protein (p.Pro412Ala). This variant is not present in population databases (gnomAD no frequency). This missense change has been observed in individual(s) with autosomal recessive TRY-related conditions and/or clinical features of autosomal recessive TYR-related conditions (PMID: 13680365; internal data). ClinVar contains an entry for this variant (Variation ID: 212521). Invitae Evidence Modeling of protein sequence and biophysical properties (such as structural, functional, and spatial information, amino acid conservation, physicochemical variation, residue mobility, and thermodynamic stability) indicates that this missense variant is expected to disrupt TYR protein function with a positive predictive value of 95%. In summary, the currently available evidence indicates that the variant is pathogenic, but additional data are needed to prove that conclusively. Therefore, this variant has been classified as Likely Pathogenic.

Neuberg Centre For Genomic Medicine, NCGM
Classification: Uncertain significance for Oculocutaneous albinism type 1A. Last evaluated: 2023-05-20. Review status: criteria provided, single submitter. Criteria: ACMG Guidelines, 2015. Collection method: clinical testing. Allele origin: germline. Inheritance: Autosomal recessive inheritance. Affected: yes.
Comment: The missense variant c.1234C>G(p.Pro412Ala) in TYR gene has not been reported previously as a pathogenic variant nor as a benign variant, to our knowledge. The observed variant is absent in gnomAD exomes database. This variant has been submitted to the ClinVar database as Likely Pathogenic / Variant of Uncertain Significance. Multiple lines of computational evidence (Polyphen - probably damaging , SIFT - damaging and MutationTaster - disease causing) predict a damaging effect on protein structure and function for this variant. The amino acid change p.Pro412Ala in TYR is predicted as conserved by GERP++ and PhyloP across 100 vertebrates. The amino acid Pro at position 412 is changed to a Ala changing protein sequence and it might alter its composition and physico-chemical properties. For these reasons, this variant has been classified as Uncertain Significance (VUS).

Blueprint Genetics
Classification: Likely pathogenic for TYR-related disorders. Last evaluated: 2023-01-25. Review status: criteria provided, single submitter. Criteria: ACMG Guidelines, 2015. Collection method: clinical testing. Allele origin: germline. Affected: yes. Observed: 1 variant allele.

Genome-Nilou Lab
Classification: Uncertain significance for Oculocutaneous albinism type 1A. Last evaluated: 2021-07-22. Review status: criteria provided, single submitter. Criteria: ACMG Guidelines, 2015. Collection method: clinical testing. Allele origin: germline. Affected: no.

Eurofins Ntd Llc (ga)
Classification: Uncertain significance. Last evaluated: 2016-07-19. Review status: criteria provided, single submitter. Criteria: EGL Classification Definitions 2015. Collection method: clinical testing. Allele origin: germline. Observed: 2 variant alleles, 2 heterozygotes.

Genetic Services Laboratory, University of Chicago
Classification: Likely pathogenic for Albinism, oculocutaneous, type IA. Last evaluated: 2015-02-04. Review status: criteria provided, single submitter. Criteria: ACMG Guidelines, 2015. Collection method: clinical testing. Allele origin: germline. Affected: yes.

Literature cited by the submitters: PubMed 13680365 (cited by Labcorp Genetics (formerly Invitae), Labcorp).

NM_000372.5(TYR):c.1234C>G (p.Pro412Ala)

Gene: TYR (tyrosinase; plus strand). Cytogenetic location: 11q14.3.
Variant type: single nucleotide variant.
Coding change: c.1234C>G on transcript NM_000372.5 (MANE Select); coding-DNA position 1234, C replaced by G.
Protein change: p.Pro412Ala; replaces proline 412 with alanine.
Molecular consequence: missense variant.
Genome position (GRCh38, 1-based): chr11:89,284,822, C>G. VCF-style: chr11-89284822-C-G. GRCh37 (hg19) VCF-style: chr11-89017990-C-G.
Other names: short protein forms P412A.
Identifiers: ClinVar variation 212521 (VCV000212521.18), dbSNP rs797046081, ClinGen allele CA277442.